The following is an entry in ClinVar:

NM_182978.4(GNAL):c.376+2T>C

Gene: GNAL (G protein subunit alpha L; plus strand). Cytogenetic location: 18p11.21.
Variant type: single nucleotide variant.
Coding change: c.376+2T>C on transcript NM_182978.4 (MANE Select); the canonical splice donor site of the intron after coding-DNA position 376, T replaced by C.
Molecular consequence: splice donor variant.
Genome position (GRCh38, 1-based): chr18:11,689,941, T>C. VCF-style: chr18-11689941-T-C. GRCh37 (hg19) VCF-style: chr18-11689940-T-C.
Identifiers: ClinVar variation 3359831 (VCV003359831.1).
Genomic context (GRCh38, chr18:11,689,941, plus strand): 5'-CCGCATGCTGCGCGACCAGAAGCGCGACCTGCAGCAGACGCACCGGCTCCTGCTGCTCGG[T>C]AGGTCCCGGCCGCGAGGTCGGCTGACGCCCCGGGGACAGCGCGCCGGGCCCGCGGGGGCG-3'

ClinVar aggregate classification (germline): Uncertain significance (1 of 4 stars; one submission).

Submission:

GeneDx
Classification: Uncertain significance. Last evaluated: 2023-06-15. Review status: criteria provided, single submitter. Criteria: GeneDx Variant Classification Process June 2021. Collection method: clinical testing. Allele origin: germline. Affected: yes.
Comment: Not observed at significant frequency in large population cohorts (gnomAD); Canonical splice site variant in a gene or region of a gene for which loss of function is not a well-established mechanism of disease; Has not been previously published as pathogenic or benign to our knowledge; Reported using an alternate transcript of the gene